The following is an entry in ClinVar:

ClinVar aggregate classification (germline): Pathogenic (1 of 4 stars; one submission).

Conditions:
Hereditary nonpolyposis colorectal neoplasms. Identifiers: MedGen C0009405, MeSH D003123.

Submission:

Labcorp Genetics (formerly Invitae), Labcorp
Classification: Pathogenic for Hereditary nonpolyposis colorectal neoplasms. Last evaluated: 2022-02-20. Review status: criteria provided, single submitter. Criteria: Invitae Variant Classification Sherloc (09022015). Collection method: clinical testing. Allele origin: germline.
Comment: This variant has not been reported in the literature in individuals affected with PMS2-related conditions. ClinVar contains an entry for this variant (Variation ID: 525692). For these reasons, this variant has been classified as Pathogenic. This variant is not present in population databases (gnomAD no frequency). This sequence change creates a premature translational stop signal (p.Ala520Glyfs*75) in the PMS2 gene. It is expected to result in an absent or disrupted protein product. Loss-of-function variants in PMS2 are known to be pathogenic (PMID: 21376568, 24362816).

Literature cited by the submitters: PubMed 21376568; PubMed 24362816.

NM_000535.7(PMS2):c.1559del (p.Ala520fs)

Gene: PMS2 (PMS1 homolog 2, mismatch repair system component; minus strand). Cytogenetic location: 7p22.1.
Variant type: Deletion.
Coding change: c.1559del on transcript NM_000535.7 (MANE Select); coding-DNA position 1559, one base deleted (C; older notation c.1559delC).
Protein change: p.Ala520fs; shifts the reading frame from alanine 520.
Molecular consequence: frameshift variant. On other transcripts: non-coding transcript variant (1).
Genome position (GRCh38, 1-based): chr7:5,987,206, G deleted on the plus strand (C on the coding strand, the reverse complement: PMS2 is on the minus strand). VCF-style (leftmost placement, unchanged base first): chr7-5987205-CG-C. GRCh37 (hg19) VCF-style: chr7-6026836-CG-C.
Other names: c.1154del, p.Ala385fs (NM_001322005.2, NM_001322009.2, NM_001322003.2 and 1 more transcripts); c.1403del, p.Ala468fs (NM_001322006.2); c.1241del, p.Ala414fs (NM_001322007.2, NM_001322008.2); c.998del, p.Ala333fs (NM_001322010.2); c.626del, p.Ala209fs (NM_001322011.2, NM_001322012.2); c.986del, p.Ala329fs (NM_001322013.2); c.1559del, p.Ala520fs (NM_001322014.2); c.1250del, p.Ala417fs (NM_001322015.2); short protein forms A209fs, A414fs, A417fs, A468fs, A385fs, A333fs, A520fs, A329fs.
Identifiers: ClinVar variation 525692 (VCV000525692.7), dbSNP rs1554297564, ClinGen allele CA658796889.
Genomic context (GRCh38, chr7:5,987,205, plus strand): 5'-AGGCGCTTTCTCCTGAGAGTCCACATGTTCCTGCGAGCCCCTGTCCCCTGGGGAGCTGGC[CG>C]CATACTCGCTGCTGCAGTGACTGCCCGTGTCTGGGATGCTGAACCCCTCAGAATCCACGG-3'